The following is an entry in ClinVar:

NM_005560.6(LAMA5):c.8580C>T (p.Ala2860=)

Gene: LAMA5 (laminin subunit alpha 5; minus strand). Cytogenetic location: 20q13.33.
Variant type: single nucleotide variant.
Coding change: c.8580C>T on transcript NM_005560.6 (MANE Select); coding-DNA position 8580, C replaced by T.
Protein change: p.Ala2860=; no amino-acid change (alanine 2860 retained).
Molecular consequence: synonymous variant.
Genome position (GRCh38, 1-based): chr20:62,313,727, G>A on the plus strand (C>T on the coding strand, the complement: LAMA5 is on the minus strand). VCF-style: chr20-62313727-G-A. GRCh37 (hg19) VCF-style: chr20-60888783-G-A.
Other names: c.8580C>T (NM_005560.4).
Identifiers: ClinVar variation 1901169 (VCV001901169.7), dbSNP rs756209000, ClinGen allele CA9940646.

ClinVar aggregate classification (germline): Likely benign. Review status: criteria provided, single submitter (1 of 4 stars). 2 submissions from 2 submitters: Likely benign (1). 1 of the submissions does not count toward it. Last evaluated 2024-06-03.

Conditions:
LAMA5-related disorder. Also called: LAMA5-related condition; LAMA5-Related Disorders.

Allele frequency attached by ClinVar (database versions not stated): TOPMed 0.00002; gnomAD exomes 0.00005; ExAC 0.00006.
gnomAD v4.1: 65 of 1,612,926 alleles (0.004%); highest among the groups gnomAD compares: South Asian, 0.07%; 1 homozygote.

Submissions (2):

Labcorp Genetics (formerly Invitae), Labcorp
Classification: Likely benign. Last evaluated: 2024-06-03. Review status: criteria provided, single submitter. Criteria: Invitae Variant Classification Sherloc (09022015). Collection method: clinical testing. Allele origin: germline.

PreventionGenetics, part of Exact Sciences
Classification: Likely benign for LAMA5-related condition. Last evaluated: 2022-12-16. Review status: no assertion criteria provided. Collection method: clinical testing. Allele origin: germline. Not counted in ClinVar's aggregate classification.
Comment: This variant is classified as likely benign based on ACMG/AMP sequence variant interpretation guidelines (Richards et al. 2015 PMID: 25741868, with internal and published modifications).